The following is an entry in ClinVar:

NM_032383.5(HPS3):c.712+1G>A

Gene: HPS3 (HPS3 biogenesis of lysosomal organelles complex 2 subunit 1; plus strand). Cytogenetic location: 3q24.
Variant type: single nucleotide variant.
Coding change: c.712+1G>A on transcript NM_032383.5 (MANE Select); the canonical splice donor site of the intron after coding-DNA position 712, G replaced by A.
Molecular consequence: splice donor variant. On other transcripts: intron variant (1).
Genome position (GRCh38, 1-based): chr3:149,140,499, G>A. VCF-style: chr3-149140499-G-A. GRCh37 (hg19) VCF-style: chr3-148858286-G-A.
Other names: c.218-518G>A (NM_001308258.2).
Identifiers: ClinVar variation 1067906 (VCV001067906.7), dbSNP rs1431405050, ClinGen allele CA354912881.

ClinVar aggregate classification (germline): Pathogenic (1 of 4 stars; one submission).

Allele frequency attached by ClinVar (database versions not stated): TOPMed below 0.00001; gnomAD 0.00001.

Submission:

Labcorp Genetics (formerly Invitae), Labcorp
Classification: Pathogenic. Last evaluated: 2024-02-15. Review status: criteria provided, single submitter. Criteria: Invitae Variant Classification Sherloc (09022015). Collection method: clinical testing. Allele origin: germline.
Comment: This sequence change affects a donor splice site in intron 2 of the HPS3 gene. It is expected to disrupt RNA splicing. Variants that disrupt the donor or acceptor splice site typically lead to a loss of protein function (PMID: 16199547), and loss-of-function variants in HPS3 are known to be pathogenic (PMID: 11590544). This variant is not present in population databases (gnomAD no frequency). Disruption of this splice site has been observed in individual(s) with Hermansky-Pudlak syndrome (PMID: 27593200). In at least one individual the data is consistent with being in trans (on the opposite chromosome) from a pathogenic variant. ClinVar contains an entry for this variant (Variation ID: 1067906). Algorithms developed to predict the effect of sequence changes on RNA splicing suggest that this variant may disrupt the consensus splice site. For these reasons, this variant has been classified as Pathogenic.

Literature cited by the submitters: PubMed 16199547; PubMed 11590544; PubMed 27593200.